The following is an entry in ClinVar:

NM_001374736.1(DST):c.3622A>C (p.Ile1208Leu)

Gene: DST (dystonin; minus strand). Cytogenetic location: 6p12.1.
Variant type: single nucleotide variant.
Coding change: c.3622A>C on transcript NM_001374736.1 (MANE Select); coding-DNA position 3622, A replaced by C.
Protein change: p.Ile1208Leu; replaces isoleucine 1208 with leucine.
Molecular consequence: missense variant.
Genome position (GRCh38, 1-based): chr6:56,633,037, T>G on the plus strand (A>C on the coding strand, the complement: DST is on the minus strand). VCF-style: chr6-56633037-T-G. GRCh37 (hg19) VCF-style: chr6-56497835-T-G.
Other names: c.3523A>C, p.Ile1175Leu (NM_001144769.5); c.3109A>C, p.Ile1037Leu (NM_001144770.2); c.3622A>C, p.Ile1208Leu (NM_001374722.1); c.2989A>C, p.Ile997Leu (NM_001374729.1, NM_001374730.1, NM_001386100.1 and 1 more transcripts); c.3649A>C, p.Ile1217Leu (NM_001374734.1); c.2011A>C, p.Ile671Leu (NM_001723.7, NM_015548.5); short protein forms I1175L, I1208L, I1217L, I671L, I1037L, I997L.
Identifiers: ClinVar variation 779545 (VCV000779545.14), dbSNP rs200913640, ClinGen allele CA3871101.

ClinVar aggregate classification (germline): Likely benign. Review status: criteria provided, multiple submitters, no conflicts (2 of 4 stars). 3 submissions from 3 submitters: Likely benign (3). Last evaluated 2025-07-29.

Conditions:
Inborn genetic diseases. Identifiers: MedGen C0950123, MeSH D030342.
Epidermolysis bullosa simplex 3, localized or generalized intermediate, with BP230 deficiency (EBS3). Also called: Epidermolysis bullosa simplex, autosomal recessive 2; Epidermolysis bullosa simplex due to BP230 deficiency. Identifiers: Orphanet 412181, MedGen C3809470, MONDO:0014180, OMIM 615425.
Hereditary sensory and autonomic neuropathy type 6. Also called: HSAN VI; Neuropathy, hereditary sensory and autonomic, type VI. Identifiers: Orphanet 314381, MedGen C3539003, MONDO:0013839, OMIM 614653.
DST-related disorder. Also called: DST-related condition; DST-related disorders.

Allele frequency attached by ClinVar (database versions not stated): TOPMed 0.00006; ExAC 0.00027; gnomAD exomes 0.00027; gnomAD 0.00033 and 0.00036.
gnomAD v4.1: 282 of 1,613,256 alleles (0.017%); highest among the groups gnomAD compares: Non-Finnish European, 0.0072%; no homozygotes.

Submissions (3):

Labcorp Genetics (formerly Invitae), Labcorp
Classification: Likely benign for Epidermolysis bullosa simplex 3, localized or generalized intermediate, with BP230 deficiency; Hereditary sensory and autonomic neuropathy type 6. Last evaluated: 2025-07-29. Review status: criteria provided, single submitter. Criteria: Invitae Variant Classification Sherloc (09022015). Collection method: clinical testing. Allele origin: germline.

PreventionGenetics, part of Exact Sciences
Classification: Likely benign for DST-related condition. Last evaluated: 2025-03-12. Review status: criteria provided, single submitter. Criteria: ACMG Guidelines, 2015. Collection method: clinical testing. Allele origin: germline.
Comment: This variant is classified as likely benign based on ACMG/AMP sequence variant interpretation guidelines (Richards et al. 2015 PMID: 25741868, with internal and published modifications).

Ambry Genetics
Classification: Likely benign for Inborn genetic diseases. Last evaluated: 2020-10-23. Review status: criteria provided, single submitter. Criteria: Ambry Variant Classification Scheme 2023. Collection method: clinical testing. Allele origin: germline.